The following is an entry in ClinVar:

NM_001267550.2(TTN):c.11311+4368G>A

Gene: TTN (titin; minus strand). Cytogenetic location: 2q31.2.
Variant type: single nucleotide variant.
Coding change: c.11311+4368G>A on transcript NM_001267550.2 (MANE Select); 4368 bases into the intron after coding-DNA position 11311, G replaced by A.
Molecular consequence: intron variant. On other transcripts: synonymous variant (1).
Genome position (GRCh38, 1-based): chr2:178,748,756, C>T on the plus strand (G>A on the coding strand, the complement: TTN is on the minus strand). VCF-style: chr2-178748756-C-T. GRCh37 (hg19) VCF-style: chr2-179613483-C-T.
Other names: c.13644G>A, p.Arg4548= (NM_133379.5); c.10222+4368G>A (NM_003319.4); c.10798+4368G>A (NM_133437.4); c.10597+4368G>A (NM_133432.3); c.10360+4368G>A (NM_133378.4, NM_001256850.1).
Identifiers: ClinVar variation 4986058 (VCV004986058.1).

ClinVar aggregate classification (germline): Likely benign (1 of 4 stars; one submission).

Conditions:
TTN-related disorder. Also called: TTN-related disorders; TTN-related condition; TTN-related disease.

gnomAD v4.1: 19 of 1,612,288 alleles (0.0012%); highest among the groups gnomAD compares: East Asian, 0.0067%; no homozygotes.

Submission:

PreventionGenetics, part of Exact Sciences
Classification: Likely benign for TTN-related condition. Last evaluated: 2025-05-22. Review status: criteria provided, single submitter. Criteria: ACMG Guidelines, 2015. Collection method: clinical testing. Allele origin: germline.
Comment: This variant is classified as likely benign based on ACMG/AMP sequence variant interpretation guidelines (Richards et al. 2015 PMID: 25741868, with internal and published modifications).